The following is an entry in ClinVar:

NM_001278716.2(FBXL4):c.834G>A (p.Gly278=)

Gene: FBXL4 (F-box and leucine rich repeat protein 4; minus strand). Cytogenetic location: 6q16.2.
Variant type: single nucleotide variant.
Coding change: c.834G>A on transcript NM_001278716.2 (MANE Select); coding-DNA position 834, G replaced by A.
Protein change: p.Gly278=; no amino-acid change (glycine 278 retained).
Molecular consequence: synonymous variant.
Genome position (GRCh38, 1-based): chr6:98,917,398, C>T on the plus strand (G>A on the coding strand, the complement: FBXL4 is on the minus strand). VCF-style: chr6-98917398-C-T. GRCh37 (hg19) VCF-style: chr6-99365274-C-T.
Other names: c.834G>A, p.Gly278= (NM_012160.5).
Identifiers: ClinVar variation 437641 (VCV000437641.1), dbSNP rs770907606, ClinGen allele CA3933610.
Genomic context (GRCh38, chr6:98,917,398, plus strand): 5'-TATATCCAATACTGCTGCTAAATATTTTTGGCTTACCTCATAAGGTAGTTTATCAAAATA[C>T]CCATTATTTGGCCCTTCCCCGAGGACAGCACTGCTAAACTTTTTGTTAAGACTGTCCATT-3'
Protein context (NP_001265645.1, residues 268-288): SAVLGEGPNN[Gly278=]YFDKLPYELI

ClinVar aggregate classification (germline): Uncertain significance (1 of 4 stars; one submission).

Conditions:
Mitochondrial DNA depletion syndrome 13. Also called: FBXL4-Related Encephalomyopathic Mitochondrial DNA Depletion Syndrome; Mitochondrial DNA depletion syndrome 13 (encephalomyopathic type). Identifiers: Orphanet 369897, MedGen C3809592, MONDO:0014198, OMIM 615471.

Allele frequency attached by ClinVar (database versions not stated): ExAC 0.00001; gnomAD 0.00001.
gnomAD v4.1: 2 of 1,608,304 alleles (0.00012%); highest among the groups gnomAD compares: Non-Finnish European, 0.00017%; no homozygotes.

Submission:

Wong Mito Lab, Molecular and Human Genetics, Baylor College of Medicine
Classification: Uncertain significance for Mitochondrial DNA depletion syndrome 13. Last evaluated: 2017-08-10. Review status: criteria provided, single submitter. Criteria: ACMG Guidelines, 2015. Collection method: reference population. Allele origin: germline.
Comment: The NM_012160.4:c.834G>A (NP_036292.2:p.Gly278=) [GRCH38: NC_000006.12:g.98917398C>T] variant in FBXL4 gene is interpretated to be a Uncertain Significance - Conflicting Evidence based on ACMG guidelines (PMID: 25741868). This variant meets one or more of the following evidence codes reported in the ACMG-guideline. PM2:This variant is absent in key population databases. BP4:Computational evidence/predictors indicate no impact on the FBXL4 structure, function, or protein-protein interaction. BP7:The variant is silent with non predicted splice impact. Based on this evidence code ClinGen Pathogenicity Calculator (PMID:28081714) suggested that the variant is Uncertain Significance - Conflicting Evidence.